The following is an entry in ClinVar:

ClinVar aggregate classification (germline): Uncertain significance (1 of 4 stars; one submission).

Submission:

Labcorp Genetics (formerly Invitae), Labcorp
Classification: Uncertain significance. Last evaluated: 2024-12-13. Review status: criteria provided, single submitter. Criteria: Invitae Variant Classification Sherloc (09022015). Collection method: clinical testing. Allele origin: germline.
Comment: This sequence change replaces lysine, which is basic and polar, with threonine, which is neutral and polar, at codon 800 of the ADGRE2 protein (p.Lys800Thr). This variant is not present in population databases (gnomAD no frequency). This variant has not been reported in the literature in individuals affected with ADGRE2-related conditions. An algorithm developed to predict the effect of missense changes on protein structure and function outputs the following: PolyPhen-2: "Benign". The threonine amino acid residue is found in multiple mammalian species, which suggests that this missense change does not adversely affect protein function. In summary, the available evidence is currently insufficient to determine the role of this variant in disease. Therefore, it has been classified as a Variant of Uncertain Significance.

NM_013447.4(ADGRE2):c.2399A>C (p.Lys800Thr)

Gene: ADGRE2 (adhesion G protein-coupled receptor E2; minus strand). Cytogenetic location: 19p13.12.
Variant type: single nucleotide variant.
Coding change: c.2399A>C on transcript NM_013447.4 (MANE Select); coding-DNA position 2399, A replaced by C.
Protein change: p.Lys800Thr; replaces lysine 800 with threonine.
Molecular consequence: missense variant.
Genome position (GRCh38, 1-based): chr19:14,743,484, T>G on the plus strand (A>C on the coding strand, the complement: ADGRE2 is on the minus strand). VCF-style: chr19-14743484-T-G. GRCh37 (hg19) VCF-style: chr19-14854296-T-G.
Other names: c.2225A>C, p.Lys742Thr (NM_001271052.1); c.2252A>C, p.Lys751Thr (NM_152916.2); c.2120A>C, p.Lys707Thr (NM_152917.2); short protein forms K707T, K751T, K742T, K800T.
Identifiers: ClinVar variation 3727250 (VCV003727250.2).